The following is an entry in ClinVar:

ClinVar aggregate classification (germline): Uncertain significance (1 of 4 stars; one submission).

Conditions:
Glycogen storage disease type III (GSD3). Also called: Cori disease; FORBES DISEASE. Identifiers: Orphanet 366, MedGen C0017922, MONDO:0009291, OMIM 232400.

gnomAD v4.1: 5 of 1,613,964 alleles (0.00031%); highest among the groups gnomAD compares: Non-Finnish European, 0.00042%; no homozygotes.

Submission:

Labcorp Genetics (formerly Invitae), Labcorp
Classification: Uncertain significance for Glycogen storage disease type III. Last evaluated: 2021-09-17. Review status: criteria provided, single submitter. Criteria: Invitae Variant Classification Sherloc (09022015). Collection method: clinical testing. Allele origin: germline.
Comment: This sequence change replaces valine with isoleucine at codon 725 of the AGL protein (p.Val725Ile). The valine residue is moderately conserved and there is a small physicochemical difference between valine and isoleucine. This variant is not present in population databases (ExAC no frequency). This variant has not been reported in the literature in individuals with AGL-related conditions. Algorithms developed to predict the effect of missense changes on protein structure and function (SIFT, PolyPhen-2, Align-GVGD) all suggest that this variant is likely to be tolerated, but these predictions have not been confirmed by published functional studies and their clinical significance is uncertain. In summary, the available evidence is currently insufficient to determine the role of this variant in disease. Therefore, it has been classified as a Variant of Uncertain Significance.

NM_000642.3(AGL):c.2173G>A (p.Val725Ile)

Gene: AGL (amylo-alpha-1,6-glucosidase and 4-alpha-glucanotransferase; plus strand). Cytogenetic location: 1p21.2.
Variant type: single nucleotide variant.
Coding change: c.2173G>A on transcript NM_000642.3 (MANE Select); coding-DNA position 2173, G replaced by A.
Protein change: p.Val725Ile; replaces valine 725 with isoleucine.
Molecular consequence: missense variant.
Genome position (GRCh38, 1-based): chr1:99,881,556, G>A. VCF-style: chr1-99881556-G-A. GRCh37 (hg19) VCF-style: chr1-100347112-G-A.
Other names: c.2173G>A, p.Val725Ile (NM_000028.3, NM_000643.3, NM_000644.3 and 2 more transcripts); c.2125G>A, p.Val709Ile (NM_000646.3); c.1972G>A, p.Val658Ile (NM_001425327.1); c.1969G>A, p.Val657Ile (NM_001425328.1, NM_001425329.1); c.1795G>A, p.Val599Ile (NM_001425332.1); short protein forms V709I, V725I, V599I, V657I, V658I.
Identifiers: ClinVar variation 1399676 (VCV001399676.5), dbSNP rs1269529478, ClinGen allele CA341319682.
Genomic context (GRCh38, chr1:99,881,556, plus strand): 5'-CTTTCCAGTTTGAGAGCTAATCTAGTTGTTCTTTCTGCTTCTCAGGTGTATGTGGATCAA[G>A]TTGATGAAGACATAGTGGCAGTAACAAGACACTCACCTAGCATCCATCAGTCTGTTGTGG-3'
Protein context (NP_000633.2, residues 715-735): KGFIQVYVDQ[Val725Ile]DEDIVAVTRH